The following is an entry in ClinVar:

ClinVar aggregate classification (germline): Uncertain significance (1 of 4 stars; one submission).

Conditions:
Hereditary cancer-predisposing syndrome. Also called: Tumor predisposition; Hereditary neoplastic syndrome; Hereditary Cancer Syndrome; Neoplastic Syndromes, Hereditary. Identifiers: Orphanet 140162, MedGen C0027672, MeSH D009386, MONDO:0015356.

Submission:

Ambry Genetics
Classification: Uncertain significance for Hereditary cancer-predisposing syndrome. Last evaluated: 2025-05-03. Review status: criteria provided, single submitter. Criteria: Ambry Variant Classification Scheme 2023. Collection method: clinical testing. Allele origin: germline.
Comment: The p.Q623K variant (also known as c.1867C>A), located in coding exon 15 of the POT1 gene, results from a C to A substitution at nucleotide position 1867. The glutamine at codon 623 is replaced by lysine, an amino acid with similar properties. This amino acid position is conserved. In addition, this alteration is predicted to be tolerated by in silico analysis. Based on the available evidence, the clinical significance of this variant remains unclear.

NM_015450.3(POT1):c.1867C>A (p.Gln623Lys)

Gene: POT1 (protection of telomeres 1; minus strand). Cytogenetic location: 7q31.33.
Variant type: single nucleotide variant.
Coding change: c.1867C>A on transcript NM_015450.3 (MANE Select); coding-DNA position 1867, C replaced by A.
Protein change: p.Gln623Lys; replaces glutamine 623 with lysine.
Molecular consequence: missense variant. On other transcripts: non-coding transcript variant (3).
Genome position (GRCh38, 1-based): chr7:124,824,000, G>T on the plus strand (C>A on the coding strand, the complement: POT1 is on the minus strand). VCF-style: chr7-124824000-G-T. GRCh37 (hg19) VCF-style: chr7-124464054-G-T.
Other names: c.1474C>A, p.Gln492Lys (NM_001042594.2); short protein forms Q492K, Q623K.
Identifiers: ClinVar variation 3936294 (VCV003936294.1).